The following is an entry in ClinVar:

NM_024675.4(PALB2):c.211G>A (p.Glu71Lys)

Gene: PALB2 (partner and localizer of BRCA2; minus strand). Cytogenetic location: 16p12.2.
Variant type: single nucleotide variant.
Coding change: c.211G>A on transcript NM_024675.4 (MANE Select); coding-DNA position 211, G replaced by A.
Protein change: p.Glu71Lys; replaces glutamic acid 71 with lysine.
Molecular consequence: missense variant.
Genome position (GRCh38, 1-based): chr16:23,637,850, C>T on the plus strand (G>A on the coding strand, the complement: PALB2 is on the minus strand). VCF-style: chr16-23637850-C-T. GRCh37 (hg19) VCF-style: chr16-23649171-C-T.
Other names: c.151G>A, p.Glu51Lys (NM_001407296.1); c.211G>A, p.Glu71Lys (NM_001407297.1, NM_001407298.1, NM_001407299.1 and 3 more transcripts); c.-675G>A (NM_001407304.1, NM_001407305.1, NM_001407306.1 and 5 more transcripts); short protein forms E71K, E51K.
Identifiers: ClinVar variation 2111364 (VCV002111364.5), dbSNP rs2142455366, ClinGen allele CA395139009.

ClinVar aggregate classification (germline): Uncertain significance. Review status: criteria provided, multiple submitters, no conflicts (2 of 4 stars). 2 submissions from 2 submitters: Uncertain significance (2). Last evaluated 2025-09-22.

Conditions:
Hereditary cancer-predisposing syndrome. Also called: Neoplastic Syndromes, Hereditary; Hereditary Cancer Syndrome; Hereditary neoplastic syndrome; Tumor predisposition. Identifiers: Orphanet 140162, MedGen C0027672, MeSH D009386, MONDO:0015356.
Familial cancer of breast. Also called: hereditary breast carcinoma; BREAST CANCER, FAMILIAL; Hereditary breast cancer. Identifiers: Orphanet 227535, MedGen C0346153, MONDO:0016419, OMIM 114480. Disease mechanism: loss of function.

Allele frequency attached by ClinVar (database versions not stated): gnomAD exomes below 0.00001.
gnomAD v4.1: 3 of 1,607,084 alleles (0.00019%); highest among the groups gnomAD compares: Non-Finnish European, 0.00026%; no homozygotes.

Submissions (2):

Color Diagnostics, LLC DBA Color Health
Classification: Uncertain significance for Hereditary cancer-predisposing syndrome. Last evaluated: 2025-09-22. Review status: criteria provided, single submitter. Criteria: ACMG Guidelines, 2015. Collection method: clinical testing. Allele origin: germline.
Comment: This missense variant replaces glutamic acid with lysine at codon 71 of the PALB2 protein. Computational prediction suggests that this variant may not impact protein structure and function. To our knowledge, functional studies have not been reported for this variant. This variant has not been reported in individuals affected with PALB2-related disorders in the literature. This variant has not been identified in the general population by the Genome Aggregation Database (gnomAD). The available evidence is insufficient to determine the role of this variant in disease conclusively. Therefore, this variant is classified as a Variant of Uncertain Significance.

Labcorp Genetics (formerly Invitae), Labcorp
Classification: Uncertain significance for Familial cancer of breast. Last evaluated: 2022-07-07. Review status: criteria provided, single submitter. Criteria: Invitae Variant Classification Sherloc (09022015). Collection method: clinical testing. Allele origin: germline.
Comment: Algorithms developed to predict the effect of missense changes on protein structure and function are either unavailable or do not agree on the potential impact of this missense change (SIFT: "Tolerated"; PolyPhen-2: "Probably Damaging"; Align-GVGD: "Class C0"). This sequence change replaces glutamic acid, which is acidic and polar, with lysine, which is basic and polar, at codon 71 of the PALB2 protein (p.Glu71Lys). This variant also falls at the last nucleotide of exon 3, which is part of the consensus splice site for this exon. This variant is not present in population databases (gnomAD no frequency). This variant has not been reported in the literature in individuals affected with PALB2-related conditions. Variants that disrupt the consensus splice site are a relatively common cause of aberrant splicing (PMID: 17576681, 9536098). Algorithms developed to predict the effect of sequence changes on RNA splicing suggest that this variant may disrupt the consensus splice site. In summary, the available evidence is currently insufficient to determine the role of this variant in disease. Therefore, it has been classified as a Variant of Uncertain Significance.

Literature cited by the submitters: PubMed 17576681 (cited by Labcorp Genetics (formerly Invitae), Labcorp); PubMed 9536098 (cited by Labcorp Genetics (formerly Invitae), Labcorp).